The following is an entry in ClinVar:

NM_001367534.1(CAMK2G):c.1638G>A (p.Gln546=)

Gene: CAMK2G (calcium/calmodulin dependent protein kinase II gamma; minus strand). Cytogenetic location: 10q22.2.
Variant type: single nucleotide variant.
Coding change: c.1638G>A on transcript NM_001367534.1 (MANE Select); coding-DNA position 1638, G replaced by A.
Protein change: p.Gln546=; no amino-acid change (glutamine 546 retained).
Molecular consequence: synonymous variant. On other transcripts: non-coding transcript variant (8).
Genome position (GRCh38, 1-based): chr10:73,815,144, C>T on the plus strand (G>A on the coding strand, the complement: CAMK2G is on the minus strand). VCF-style: chr10-73815144-C-T. GRCh37 (hg19) VCF-style: chr10-75574902-C-T.
Other names: c.1491G>A, p.Gln497= (NM_001204492.2); c.1359G>A, p.Gln453= (NM_001222.4); c.1428G>A, p.Gln476= (NM_001367516.1, NM_001367517.1, NM_172170.5); c.1506G>A, p.Gln502= (NM_001367518.1); c.1542G>A, p.Gln514= (NM_172171.3); c.1386G>A, p.Gln462= (NM_172173.3); c.1518G>A, p.Gln506= (NM_001367525.1); c.1536G>A, p.Gln512= (NM_001367527.1); and 14 more.
Identifiers: ClinVar variation 2640591 (VCV002640591.24), dbSNP rs140348836, ClinGen allele CA5561612.

ClinVar aggregate classification (germline): Benign (1 of 4 stars; one submission).

Allele frequency attached by ClinVar (database versions not stated): gnomAD exomes 0.00003; ExAC 0.00011; 1000 Genomes Project 30x 0.00016; 1000 Genomes Project 0.00020; TOPMed 0.00042; gnomAD 0.00046; ESP Exome Variant Server 0.00069.
gnomAD v4.1: 117 of 1,614,244 alleles (0.0072%); highest among the groups gnomAD compares: African/African-American, 0.14%; no homozygotes.

Submission:

CeGaT Center for Human Genetics Tuebingen
Classification: Benign. Last evaluated: 2022-10-01. Review status: criteria provided, single submitter. Criteria: CeGaT Center For Human Genetics Tuebingen Variant Classification Criteria Version 2. Collection method: clinical testing. Allele origin: germline. Affected: yes. Observed: 1 variant allele.
Comment: CAMK2G: BS1, BS2